The following is an entry in ClinVar:

NM_001375524.1(TRRAP):c.10431A>T (p.Glu3477Asp)

Gene: TRRAP (transformation/transcription domain associated protein; plus strand). Cytogenetic location: 7q22.1.
Variant type: single nucleotide variant.
Coding change: c.10431A>T on transcript NM_001375524.1 (MANE Select); coding-DNA position 10431, A replaced by T.
Protein change: p.Glu3477Asp; replaces glutamic acid 3477 with aspartic acid.
Molecular consequence: missense variant.
Genome position (GRCh38, 1-based): chr7:99,004,311, A>T. VCF-style: chr7-99004311-A-T. GRCh37 (hg19) VCF-style: chr7-98601934-A-T.
Other names: c.10389A>T, p.Glu3463Asp (NM_001244580.2); c.10302A>T, p.Glu3434Asp (NM_003496.4); short protein forms E3434D, E3463D, E3477D.
Identifiers: ClinVar variation 2630167 (VCV002630167.1), dbSNP rs1794066558, ClinGen allele CA368335822.
Genomic context (GRCh38, chr7:99,004,311, plus strand): 5'-GTGGATCAAAATCTTGGAGGCCAAGACCAAGCAACTCCCCAAATTCTTCCTCATAGAGGA[A>T]AAGTGCCGGTTCTTGAGCAATTTCTCGGCACAGACAGCTGAAGTGGAAATTCCTGGGGAG-3'
Protein context (NP_001362453.1, residues 3467-3487): KQLPKFFLIE[Glu3477Asp]KCRFLSNFSA

ClinVar aggregate classification (germline): Uncertain significance (1 of 4 stars; one submission).

Conditions:
TRRAP-related disorder. Also called: TRRAP-related condition.

Submission:

PreventionGenetics, part of Exact Sciences
Classification: Uncertain significance for TRRAP-related condition. Last evaluated: 2023-02-12. Review status: criteria provided, single submitter. Criteria: ACMG Guidelines, 2015. Collection method: clinical testing. Allele origin: germline.
Comment: The TRRAP c.10302A>T variant is predicted to result in the amino acid substitution p.Glu3434Asp. To our knowledge, this variant has not been reported in the literature or in a large population database, indicating this variant is rare. At this time, the clinical significance of this variant is uncertain due to the absence of conclusive functional and genetic evidence.